The following is an entry in ClinVar:

NM_001458.5(FLNC):c.6308C>T (p.Thr2103Ile)

Genes: FLNC-AS1 (FLNC antisense RNA 1; minus strand), FLNC (filamin C; plus strand). Cytogenetic location: 7q32.1.
Variant type: single nucleotide variant.
Coding change: c.6308C>T on transcript NM_001458.5 (MANE Select); coding-DNA position 6308, C replaced by T.
Protein change: p.Thr2103Ile; replaces threonine 2103 with isoleucine.
Molecular consequence: missense variant.
Genome position (GRCh38, 1-based): chr7:128,853,568, C>T. VCF-style: chr7-128853568-C-T. GRCh37 (hg19) VCF-style: chr7-128493622-C-T.
Other names: c.6209C>T, p.Thr2070Ile (NM_001127487.2); short protein forms T2070I, T2103I.
Identifiers: ClinVar variation 2935636 (VCV002935636.4), dbSNP rs1808915755, ClinGen allele CA369212136.

ClinVar aggregate classification (germline): Uncertain significance. Review status: criteria provided, multiple submitters, no conflicts (2 of 4 stars). 2 submissions from 2 submitters: Uncertain significance (2). Last evaluated 2024-07-28.

Conditions:
Myofibrillar myopathy 5. Also called: Filaminopathy (type); FILAMINOPATHY, AUTOSOMAL DOMINANT. Identifiers: Orphanet 171445, MedGen C1836050, MONDO:0012289, OMIM 609524.
Distal myopathy with posterior leg and anterior hand involvement. Also called: WILLIAMS DISTAL MYOPATHY. Identifiers: Orphanet 63273, MedGen C3279722, MONDO:0013550, OMIM 614065.
Hypertrophic cardiomyopathy 26. Also called: Cardiomyopathy, familial hypertrophic, 26. Identifiers: Orphanet 75249, MedGen C4310749, MONDO:0014883, OMIM 617047.
Cardiovascular phenotype. Identifiers: MedGen CN230736.

Allele frequency attached by ClinVar (database versions not stated): gnomAD exomes below 0.00001; gnomAD 0.00001; TOPMed 0.00001.
gnomAD v4.1: 2 of 1,614,058 alleles (0.00012%); highest among the groups gnomAD compares: African/African-American, 0.0027%; no homozygotes.

Submissions (2):

Ambry Genetics
Classification: Uncertain significance for Cardiovascular phenotype. Last evaluated: 2024-07-28. Review status: criteria provided, single submitter. Criteria: Ambry Variant Classification Scheme 2023. Collection method: clinical testing. Allele origin: germline.
Comment: The p.T2103I variant (also known as c.6308C>T), located in coding exon 38 of the FLNC gene, results from a C to T substitution at nucleotide position 6308. The threonine at codon 2103 is replaced by isoleucine, an amino acid with similar properties. This amino acid position is conserved. In addition, this alteration is predicted to be deleterious by in silico analysis. Based on the available evidence, the clinical significance of this variant remains unclear.

Labcorp Genetics (formerly Invitae), Labcorp
Classification: Uncertain significance for Distal myopathy with posterior leg and anterior hand involvement; Myofibrillar myopathy 5; Hypertrophic cardiomyopathy 26. Last evaluated: 2023-08-09. Review status: criteria provided, single submitter. Criteria: Invitae Variant Classification Sherloc (09022015). Collection method: clinical testing. Allele origin: germline.
Comment: This sequence change replaces threonine, which is neutral and polar, with isoleucine, which is neutral and non-polar, at codon 2103 of the FLNC protein (p.Thr2103Ile). This variant is not present in population databases (gnomAD no frequency). This variant has not been reported in the literature in individuals affected with FLNC-related conditions. Advanced modeling of protein sequence and biophysical properties (such as structural, functional, and spatial information, amino acid conservation, physicochemical variation, residue mobility, and thermodynamic stability) has been performed at Invitae for this missense variant, however the output from this modeling did not meet the statistical confidence thresholds required to predict the impact of this variant on FLNC protein function. In summary, the available evidence is currently insufficient to determine the role of this variant in disease. Therefore, it has been classified as a Variant of Uncertain Significance.